The following is an entry in ClinVar:

ClinVar aggregate classification (germline): Uncertain significance (1 of 4 stars; one submission).

gnomAD v4.1: 50 of 1,589,930 alleles (0.0031%); highest among the groups gnomAD compares: Non-Finnish European, 0.004%; no homozygotes.

Submission:

Labcorp Genetics (formerly Invitae), Labcorp
Classification: Uncertain significance. Last evaluated: 2025-12-19. Review status: criteria provided, single submitter. Criteria: Invitae Variant Classification Sherloc (09022015). Collection method: clinical testing. Allele origin: germline.
Comment: This sequence change replaces arginine, which is basic and polar, with histidine, which is basic and polar, at codon 247 of the ARIH1 protein (p.Arg247His). This variant is present in population databases (rs778561142, gnomAD 0.003%). This variant has not been reported in the literature in individuals affected with ARIH1-related conditions. An algorithm developed to predict the effect of missense changes on protein structure and function (PolyPhen-2) suggests that this variant is likely to be tolerated. In summary, the available evidence is currently insufficient to determine the role of this variant in disease. Therefore, it has been classified as a Variant of Uncertain Significance.

NM_005744.5(ARIH1):c.740G>A (p.Arg247His)

Gene: ARIH1 (ariadne RBR E3 ubiquitin protein ligase 1; plus strand). Cytogenetic location: 15q24.1.
Variant type: single nucleotide variant.
Coding change: c.740G>A on transcript NM_005744.5 (MANE Select); coding-DNA position 740, G replaced by A.
Protein change: p.Arg247His; replaces arginine 247 with histidine.
Molecular consequence: missense variant.
Genome position (GRCh38, 1-based): chr15:72,561,485, G>A. VCF-style: chr15-72561485-G-A. GRCh37 (hg19) VCF-style: chr15-72853826-G-A.
Other names: short protein forms R247H.
Identifiers: ClinVar variation 4703867 (VCV004703867.1).